The following is an entry in ClinVar:

ClinVar aggregate classification (germline): Pathogenic/Likely pathogenic. Review status: criteria provided, multiple submitters, no conflicts (2 of 4 stars). 13 submissions from 12 submitters: Pathogenic (8); Likely pathogenic (1). 4 of the submissions do not count toward it. Last evaluated 2025-12-15.

Conditions:
Retinitis pigmentosa 94, variable age at onset. Identifiers: MedGen C5676889, MONDO:0800328.
SPATA7-related disorder. Also called: SPATA7-related disorders; SPATA7-related condition. Identifiers: MedGen CN239422.
Retinal dystrophy. Also called: Inherited retinal dystrophy. Identifiers: Orphanet 71862, MedGen C0854723, MeSH D058499, MONDO:0019118, HP:0000556.
Leber congenital amaurosis 3 (LCA3). Also called: SPATA7-Related Retinitis Pigmentosa. Identifiers: MedGen C1858677, MONDO:0011415, OMIM 604232.

Allele frequency attached by ClinVar (database versions not stated): ESP Exome Variant Server 0.00008; gnomAD 0.00005; TOPMed 0.00005.
gnomAD v4.1: 71 of 1,612,808 alleles (0.0044%); highest among the groups gnomAD compares: South Asian, 0.037%; no homozygotes.

Submissions (13):

Labcorp Genetics (formerly Invitae), Labcorp
Classification: Pathogenic for Leber congenital amaurosis 3. Last evaluated: 2025-12-15. Review status: criteria provided, single submitter. Criteria: Invitae Variant Classification Sherloc (09022015). Collection method: clinical testing. Allele origin: germline.
Comment: This sequence change creates a premature translational stop signal (p.Arg85*) in the SPATA7 gene. It is expected to result in an absent or disrupted protein product. Loss-of-function variants in SPATA7 are known to be pathogenic (PMID: 19268277, 22334370, 23847139, 26047050, 26261414). This variant is present in population databases (rs140287375, gnomAD 0.05%). This premature translational stop signal has been observed in individual(s) with inherited retinal disease (PMID: 21310915, 25133751). ClinVar contains an entry for this variant (Variation ID: 30806). For these reasons, this variant has been classified as Pathogenic.

3billion
Classification: Pathogenic for Leber congenital amaurosis 3. Last evaluated: 2025-10-30. Review status: criteria provided, single submitter. Criteria: ACMG Guidelines, 2015. Collection method: clinical testing. Allele origin: germline. Affected: yes.
Comment: The variant is observed at an extremely low frequency in the gnomAD v4.1.0 dataset (total allele frequency: 0.004%). Predicted Consequence/Location: Stop-gained (nonsense): predicted to result in a loss or disruption of normal protein function through nonsense-mediated decay (NMD) or protein truncation. Multiple pathogenic variants are reported downstream of the variant. The variant has been reported to be in trans with a pathogenic variant as either compound heterozygous or homozygous in at least one similarly affected unrelated individual (PMID: 21310915, 22136677, 25133751). The variant has been reported to co-segregate with the disease in at least one similarly affected relative/individual in the same family or similarly affected unrelated families (PMID: 22136677). The variant has been reported at least twice as pathogenic with clinical assertions and evidence for the classification (ClinVar ID: VCV000030806 /PMID: 21310915). Therefore, this variant is classified as Pathogenic according to the recommendation of ACMG/AMP guideline.

Ophthalmic Genetics Group, Institute of Molecular and Clinical Ophthalmology Basel
Classification: Pathogenic for Retinal dystrophy. Last evaluated: 2024-05-27. Review status: criteria provided, single submitter. Criteria: ACMG Guidelines, 2015. Collection method: research. Allele origin: germline. Affected: yes. Observed: 1 variant allele.
Comment: This variant was classified as Pathogenic based on ACMG criteria: PVS1_very strong, PM2_mod and PM3_very strong

GeneDx
Classification: Pathogenic. Last evaluated: 2022-02-09. Review status: criteria provided, single submitter. Criteria: GeneDx Variant Classification Process June 2021. Collection method: clinical testing. Allele origin: germline. Affected: yes.
Comment: Nonsense variant predicted to result in protein truncation or nonsense mediated decay in a gene for which loss-of-function is a known mechanism of disease; This variant is associated with the following publications: (PMID: 22136677, 25525159, 21310915, 25133751, 33173045, 31589614, 33090715)

Revvity Omics, Revvity
Classification: Pathogenic for Leber congenital amaurosis 3. Last evaluated: 2021-10-18. Review status: criteria provided, single submitter. Criteria: ACMG Guidelines, 2015. Collection method: clinical testing. Allele origin: germline.

Blueprint Genetics
Classification: Pathogenic for SPATA7-related disorders. Last evaluated: 2021-09-09. Review status: criteria provided, single submitter. Criteria: ACMG Guidelines, 2015. Collection method: clinical testing. Allele origin: germline. Affected: yes. Observed: 5 variant alleles.

Illumina Laboratory Services, Illumina
Classification: Likely pathogenic for SPATA7-Related Disorders. Last evaluated: 2018-11-12. Review status: criteria provided, single submitter. Criteria: ICSL Variant Classification Criteria 09 May 2019. Collection method: clinical testing. Allele origin: germline.
Comment: The SPATA7 c.253C>T (p.Arg85Ter) variant is a stop-gained variant that is predicted to result in premature termination of the protein. The p.Arg85Ter variant has been reported three studies in which it is found in a homozygous state in a total of five affected individuals from four unrelated families (Mackay et al. 2011; Avila-Fernandez et al. 2011; Watson et al. 2014). These individuals presented with a range of phenotypes of ocular dystrophies including Leber congenital amaurosis, late onset retinal pigmentosa, and cone rod dystrophy. Control data are unavailable for this variant, which is reported at a frequency of 0.000364 in the South Asian population of the Genome Aggregation Database. Based on the potential impact of stop-gained variants and clinical evidence, the p.Arg85Ter variant is classified as likely pathogenic for SPATA7-related disorders. This variant was observed by ICSL as part of a predisposition screen in an ostensibly healthy population.

Institute of Human Genetics, Univ. Regensburg, Univ. Regensburg
Classification: Pathogenic for Retinal dystrophy. Last evaluated: 2017-01-01. Review status: criteria provided, single submitter. Criteria: ACMG Guidelines, 2015. Collection method: clinical testing. Allele origin: germline. Affected: yes.

Juno Genomics, Hangzhou Juno Genomics, Inc
Classification: Pathogenic for Leber congenital amaurosis 3. Review status: criteria provided, single submitter. Criteria: ACMG Guidelines, 2015. Collection method: clinical testing. Allele origin: germline.
Comment: Absent from controls (or at extremely low frequency if recessive) in Genome Aggregation Database.;Null variant in a gene where loss of function (LOF) is a known mechanism of disease.;For recessive disorders, detected in trans with a pathogenic variant.;Co-segregation with disease in multiple affected family members.

PreventionGenetics, part of Exact Sciences
Classification: Pathogenic for SPATA7-related condition. Last evaluated: 2024-09-09. Review status: no assertion criteria provided. Collection method: clinical testing. Allele origin: germline. Not counted in ClinVar's aggregate classification.
Comment: The SPATA7 c.253C>T variant is predicted to result in premature protein termination (p.Arg85*). This variant has been reported many times in both the homozygous and compound heterozygous states in individuals with Leber congenital amaurosis (see for examples: Mackay et al. 2011. PubMed ID: 21310915; Table S2, Liu et al. 2020. PubMed ID: 33090715; Table S1, Lin et al. 2024. PubMed ID: 38219857). This variant is reported in 0.053% of alleles in individuals of South Asian descent in gnomAD. Nonsense variants in SPATA7 are an established mechanism of disease. This variant is interpreted as pathogenic.

OMIM
Classification: Pathogenic for LEBER CONGENITAL AMAUROSIS 3. Last evaluated: 2011-05-09. Review status: no assertion criteria provided. Collection method: literature only. Allele origin: germline. Not counted in ClinVar's aggregate classification.

OMIM
Classification: Pathogenic for RETINITIS PIGMENTOSA 94, VARIABLE AGE AT ONSET. Last evaluated: 2011-05-09. Review status: no assertion criteria provided. Collection method: literature only. Allele origin: germline. Not counted in ClinVar's aggregate classification.

Laboratory of Genetics in Ophthalmology, Institut Imagine
Classification: Pathogenic for Leber congenital amaurosis 3. Review status: no assertion criteria provided. Collection method: research. Allele origin: inherited. Affected: yes. Observed: 1 variant allele. Not counted in ClinVar's aggregate classification.

Literature cited by the submitters: PubMed 19268277 (cited by Labcorp Genetics (formerly Invitae), Labcorp); PubMed 22334370 (cited by Labcorp Genetics (formerly Invitae), Labcorp); PubMed 23847139 (cited by Labcorp Genetics (formerly Invitae), Labcorp); PubMed 26047050 (cited by Labcorp Genetics (formerly Invitae), Labcorp); PubMed 26261414 (cited by Labcorp Genetics (formerly Invitae), Labcorp); PubMed 21310915 (cited by 6 submitters); PubMed 25133751 (cited by 4 submitters); PubMed 22136677 (cited by 5 submitters); PubMed 40180963 (cited by Ophthalmic Genetics Group, Institute of Molecular and Clinical Ophthalmology Basel); PubMed 25525159 (cited by Institute of Human Genetics, Univ. Regensburg, Univ. Regensburg); PubMed 31589614 (cited by Institute of Human Genetics, Univ. Regensburg, Univ. Regensburg); PubMed 31964843 (cited by Institute of Human Genetics, Univ. Regensburg, Univ. Regensburg); PubMed 33090715 (cited by Institute of Human Genetics, Univ. Regensburg, Univ. Regensburg); PubMed 33173045 (cited by Institute of Human Genetics, Univ. Regensburg, Univ. Regensburg); PubMed 33749171 (cited by Institute of Human Genetics, Univ. Regensburg, Univ. Regensburg); PubMed 36819107 (cited by Institute of Human Genetics, Univ. Regensburg, Univ. Regensburg).

NM_018418.5(SPATA7):c.253C>T (p.Arg85Ter)

Gene: SPATA7 (spermatogenesis associated 7; plus strand). Cytogenetic location: 14q31.3.
Variant type: single nucleotide variant.
Coding change: c.253C>T on transcript NM_018418.5 (MANE Select); coding-DNA position 253, C replaced by T.
Protein change: p.Arg85Ter; replaces arginine 85 with a stop codon.
Molecular consequence: nonsense.
Genome position (GRCh38, 1-based): chr14:88,416,725, C>T. VCF-style: chr14-88416725-C-T. GRCh37 (hg19) VCF-style: chr14-88883069-C-T.
Other names: NP_060888.2:p.(Arg85Ter); c.157C>T, p.Arg53Ter (NM_001040428.4); short protein forms R85*, R53*.
Identifiers: ClinVar variation 30806 (VCV000030806.28), dbSNP rs140287375, ClinGen allele CA259907.